The following is an entry in ClinVar:

NM_015102.5(NPHP4):c.1864G>A (p.Ala622Thr)

Gene: NPHP4 (nephrocystin 4; minus strand). Cytogenetic location: 1p36.31.
Variant type: single nucleotide variant.
Coding change: c.1864G>A on transcript NM_015102.5 (MANE Select); coding-DNA position 1864, G replaced by A.
Protein change: p.Ala622Thr; replaces alanine 622 with threonine.
Molecular consequence: missense variant. On other transcripts: non-coding transcript variant (1).
Genome position (GRCh38, 1-based): chr1:5,905,383, C>T on the plus strand (G>A on the coding strand, the complement: NPHP4 is on the minus strand). VCF-style: chr1-5905383-C-T. GRCh37 (hg19) VCF-style: chr1-5965443-C-T.
Other names: c.325G>A, p.Ala109Thr (NM_001291593.2); c.328G>A, p.Ala110Thr (NM_001291594.2); short protein forms A109T, A110T, A622T.
Identifiers: ClinVar variation 1017752 (VCV001017752.5), dbSNP rs1270711258, ClinGen allele CA338054635.

ClinVar aggregate classification (germline): Uncertain significance. Review status: criteria provided, multiple submitters, no conflicts (2 of 4 stars). 2 submissions from 2 submitters: Uncertain significance (2). Last evaluated 2024-01-08.

Conditions:
Senior-Loken syndrome 4 (SLSN4). Identifiers: Orphanet 3156, MedGen C1846979, MONDO:0011756, OMIM 606996.
Nephronophthisis 4 (NPHP4). Also called: NEPHRONOPHTHISIS 4, JUVENILE. Identifiers: Orphanet 655, MedGen C1847013, MONDO:0011752, OMIM 606966.
Nephronophthisis. Also called: Juvenile Nephronophthisis. Identifiers: Orphanet 655, MedGen C0687120, MONDO:0019005, HP:0000090.

Allele frequency attached by ClinVar (database versions not stated): gnomAD exomes 0.00002 and 0.00001; TOPMed below 0.00001; gnomAD 0.00001.
gnomAD v4.1: 25 of 1,613,400 alleles (0.0015%); highest among the groups gnomAD compares: Middle Eastern, 0.016%; no homozygotes.

Submissions (2):

Fulgent Genetics
Classification: Uncertain significance for Nephronophthisis 4; Senior-Loken syndrome 4. Last evaluated: 2024-01-08. Review status: criteria provided, single submitter. Criteria: ACMG Guidelines, 2015. Collection method: clinical testing. Allele origin: germline.

Labcorp Genetics (formerly Invitae), Labcorp
Classification: Uncertain significance for Nephronophthisis. Last evaluated: 2022-11-01. Review status: criteria provided, single submitter. Criteria: Invitae Variant Classification Sherloc (09022015). Collection method: clinical testing. Allele origin: germline.
Comment: In summary, the available evidence is currently insufficient to determine the role of this variant in disease. Therefore, it has been classified as a Variant of Uncertain Significance. Advanced modeling of protein sequence and biophysical properties (such as structural, functional, and spatial information, amino acid conservation, physicochemical variation, residue mobility, and thermodynamic stability) performed at Invitae indicates that this missense variant is not expected to disrupt NPHP4 protein function. ClinVar contains an entry for this variant (Variation ID: 1017752). This variant has not been reported in the literature in individuals affected with NPHP4-related conditions. This variant is present in population databases (no rsID available, gnomAD 0.004%). This sequence change replaces alanine, which is neutral and non-polar, with threonine, which is neutral and polar, at codon 622 of the NPHP4 protein (p.Ala622Thr).